The following is an entry in ClinVar:

NM_006953.4(UPK3A):c.818C>T (p.Pro273Leu)

Gene: UPK3A (uroplakin 3A; plus strand). Cytogenetic location: 22q13.31.
Variant type: single nucleotide variant.
Coding change: c.818C>T on transcript NM_006953.4 (MANE Select); coding-DNA position 818, C replaced by T.
Protein change: p.Pro273Leu; replaces proline 273 with leucine.
Molecular consequence: missense variant.
Genome position (GRCh38, 1-based): chr22:45,295,673, C>T. VCF-style: chr22-45295673-C-T. GRCh37 (hg19) VCF-style: chr22-45691554-C-T.
Other names: c.455C>T, p.Pro152Leu (NM_001167574.2); short protein forms P273L, P152L.
Identifiers: ClinVar variation 873 (VCV000000873.16), dbSNP rs121918186, ClinGen allele CA114594.

ClinVar aggregate classification (germline): Conflicting classifications of pathogenicity. Review status: criteria provided, conflicting classifications (1 of 4 stars). 6 submissions from 6 submitters: Uncertain significance (2); Likely benign (2). 2 of the submissions do not count toward it. Last evaluated 2026-02-01.

Conditions:
UPK3A-related disorder. Also called: UPK3A-related condition.
Congenital anomalies of kidney and urinary tract 1. Also called: Congenital anomalies of kidney and urinary tract 1, susceptibility to; Renal hypodysplasia, nonsyndromic, 1. Identifiers: MedGen C1835826, MONDO:0012561, OMIM 610805.
Renal hypodysplasia/aplasia 1 (RHDA1). Also called: RENAL APLASIA; HEREDITARY RENAL APLASIA. Identifiers: Orphanet 411709, MedGen C1619700, MONDO:0024519, OMIM 191830.

Allele frequency attached by ClinVar (database versions not stated): 1000 Genomes Project 30x 0.00047; TOPMed 0.00135; ExAC 0.00122; gnomAD 0.00136 and 0.00131; 1000 Genomes Project 0.00040; gnomAD exomes 0.00235 and 0.00123.

Submissions (6):

CeGaT Center for Human Genetics Tuebingen
Classification: Likely benign. Last evaluated: 2026-02-01. Review status: criteria provided, single submitter. Criteria: CeGaT Center For Human Genetics Tuebingen Variant Classification Criteria Version 2. Collection method: clinical testing. Allele origin: germline. Affected: yes. Observed: 1 variant allele.
Comment: UPK3A: BP4, BS2

Blueprint Genetics
Classification: Likely benign. Last evaluated: 2024-11-26. Review status: criteria provided, single submitter. Criteria: ACMG Guidelines, 2015. Collection method: clinical testing. Allele origin: germline.

Revvity Omics, Revvity
Classification: Uncertain significance. Last evaluated: 2019-12-23. Review status: criteria provided, single submitter. Criteria: ACMG Guidelines, 2015. Collection method: clinical testing. Allele origin: germline.

Illumina Laboratory Services, Illumina
Classification: Uncertain significance for Renal hypodysplasia/aplasia 1. Last evaluated: 2017-04-27. Review status: criteria provided, single submitter. Criteria: ICSL Variant Classification Criteria 13 December 2019. Collection method: clinical testing. Allele origin: germline.

PreventionGenetics, part of Exact Sciences
Classification: Uncertain significance for UPK3A-related condition. Last evaluated: 2023-12-19. Review status: no assertion criteria provided. Collection method: clinical testing. Allele origin: germline. Not counted in ClinVar's aggregate classification.
Comment: The UPK3A c.818C>T variant is predicted to result in the amino acid substitution p.Pro273Leu. This variant was reported to occur de novo in two individuals with renal dysplasia and vesicoureteral reflux (Jenkins et al 2005. PubMed ID: 15888565; Dopazo J et al 2016. PubMed ID: 26764160). This variant was also reported as a variant of uncertain significance in a patient with multicystic kidney dysplasia (Nicolaou N et al 2016. PubMed ID: 26489027). This variant is reported in 0.21% of alleles in individuals of European (Non-Finnish) descent in gnomAD which seems too common to be a primary cause of disease. Although we suspect this variant is benign, at this time, the clinical significance of this variant is uncertain due to the absence of conclusive functional and genetic evidence.

OMIM
Classification: Uncertain significance for RECLASSIFIED - VARIANT OF UNKNOWN SIGNIFICANCE. Last evaluated: 2005-07-01. Review status: no assertion criteria provided. Collection method: literature only. Allele origin: germline. Not counted in ClinVar's aggregate classification.

Literature cited by the submitters: PubMed 15888565 (cited by OMIM).